The following is an entry in ClinVar:

NM_002529.4(NTRK1):c.1579G>C (p.Ala527Pro)

Gene: NTRK1 (neurotrophic receptor tyrosine kinase 1; plus strand). Cytogenetic location: 1q23.1.
Variant type: single nucleotide variant.
Coding change: c.1579G>C on transcript NM_002529.4 (MANE Select); coding-DNA position 1579, G replaced by C.
Protein change: p.Ala527Pro; replaces alanine 527 with proline.
Molecular consequence: missense variant.
Genome position (GRCh38, 1-based): chr1:156,876,157, G>C. VCF-style: chr1-156876157-G-C. GRCh37 (hg19) VCF-style: chr1-156845949-G-C.
Other names: c.1579G>C, p.Ala527Pro (NM_001007204.1); c.1471G>C, p.Ala491Pro (NM_001007792.1); c.1561G>C, p.Ala521Pro (NM_001012331.2); short protein forms A491P, A521P, A527P.
Identifiers: ClinVar variation 2581177 (VCV002581177.1), dbSNP rs2102917588, ClinGen allele CA342938075.

ClinVar aggregate classification (germline): Uncertain significance (1 of 4 stars; one submission).

Allele frequency attached by ClinVar (database versions not stated): gnomAD exomes below 0.00001.
gnomAD v4.1: 1 of 1,614,162 alleles (0.000062%); highest among the groups gnomAD compares: South Asian, 0.0011%; no homozygotes.

Submission:

Women's Health and Genetics/Laboratory Corporation of America, LabCorp
Classification: Uncertain significance. Last evaluated: 2023-08-02. Review status: criteria provided, single submitter. Criteria: LabCorp Variant Classification Summary - May 2015. Collection method: clinical testing. Allele origin: germline.
Comment: Variant summary: NTRK1 c.1561G>C (p.Ala521Pro) results in a non-conservative amino acid change located in the Protein kinase domain (IPR000719) of the encoded protein sequence. Five of five in-silico tools predict a damaging effect of the variant on protein function. The variant was absent in 251642 control chromosomes (gnomAD and publication data). The available data on variant occurrences in the general population are insufficient to allow any conclusion about variant significance. c.1561G>C has been reported in the literature in at least one compound heterozygous individual affected with Hereditary Insensitivity To Pain With Anhidrosis (Wang_2015). These data do not allow any conclusion about variant significance. To our knowledge, no experimental evidence demonstrating an impact on protein function has been reported. The following publications have been ascertained in the context of this evaluation (PMID: 35471943, 30201336, 25984678). No submitters have cited clinical-significance assessments for this variant to ClinVar after 2014. Based on the evidence outlined above, the variant was classified as uncertain significance.

Literature cited by the submitters: PubMed 35471943; PubMed 30201336; PubMed 25984678.